The following is an entry in ClinVar:

NM_001846.4(COL4A2):c.124T>C (p.Cys42Arg)

Gene: COL4A2 (collagen type IV alpha 2 chain; plus strand). Cytogenetic location: 13q34.
Variant type: single nucleotide variant.
Coding change: c.124T>C on transcript NM_001846.4 (MANE Select); coding-DNA position 124, T replaced by C.
Protein change: p.Cys42Arg; replaces cysteine 42 with arginine.
Molecular consequence: missense variant.
Genome position (GRCh38, 1-based): chr13:110,357,496, T>C. VCF-style: chr13-110357496-T-C. GRCh37 (hg19) VCF-style: chr13-111009843-T-C.
Other names: short protein forms C42R.
Identifiers: ClinVar variation 2822058 (VCV002822058.3), dbSNP rs2501942802, ClinGen allele CA388730306.

ClinVar aggregate classification (germline): Uncertain significance (1 of 4 stars; one submission).

Submission:

Labcorp Genetics (formerly Invitae), Labcorp
Classification: Uncertain significance. Last evaluated: 2023-08-04. Review status: criteria provided, single submitter. Criteria: Invitae Variant Classification Sherloc (09022015). Collection method: clinical testing. Allele origin: germline.
Comment: This sequence change replaces cysteine, which is neutral and slightly polar, with arginine, which is basic and polar, at codon 42 of the COL4A2 protein (p.Cys42Arg). This variant is not present in population databases (gnomAD no frequency). In summary, the available evidence is currently insufficient to determine the role of this variant in disease. Therefore, it has been classified as a Variant of Uncertain Significance. Advanced modeling of protein sequence and biophysical properties (such as structural, functional, and spatial information, amino acid conservation, physicochemical variation, residue mobility, and thermodynamic stability) performed at Invitae indicates that this missense variant is expected to disrupt COL4A2 protein function. This variant has not been reported in the literature in individuals affected with COL4A2-related conditions.